The following is an entry in ClinVar:

NM_024757.5(EHMT1):c.3126_3127del (p.Gln1043fs)

Gene: EHMT1 (euchromatic histone lysine methyltransferase 1; plus strand). Cytogenetic location: 9q34.3.
Variant type: Microsatellite.
Coding change: c.3126_3127del on transcript NM_024757.5 (MANE Select); coding-DNA positions 3126 to 3127, 2 bases deleted (TC; older notation c.3126_3127delTC).
Protein change: p.Gln1043fs; shifts the reading frame from glutamine 1043.
Molecular consequence: frameshift variant.
Genome position (GRCh38, 1-based): chr9:137,813,476-137,813,477, TC deleted; deleting any 2 consecutive bases within chr9:137,813,472-137,813,477 gives the same sequence; the c. name uses the placement nearest the transcript's 3' end. VCF-style (leftmost placement, unchanged base first): chr9-137813471-GTC-G. GRCh37 (hg19) VCF-style: chr9-140707923-GTC-G.
Other names: c.3126_3127delTC (NM_024757.4); c.3105_3106del, p.Gln1036fs (NM_001354263.2); short protein forms Q1036fs, Q1043fs.
Identifiers: ClinVar variation 449372 (VCV000449372.6), dbSNP rs1554896575, ClinGen allele CA658657948.

ClinVar aggregate classification (germline): Pathogenic. Review status: criteria provided, multiple submitters, no conflicts (2 of 4 stars). 2 submissions from 2 submitters: Pathogenic (2). Last evaluated 2025-10-21.

Conditions:
Kleefstra syndrome 1 (KLEFS1). Identifiers: Orphanet 261494, MedGen C0795833, MONDO:0027407, OMIM 610253.

Submissions (2):

GeneDx
Classification: Pathogenic. Last evaluated: 2025-10-21. Review status: criteria provided, single submitter. Criteria: GeneDx Variant Classification Process June 2021. Collection method: clinical testing. Allele origin: germline. Affected: yes.
Comment: Frameshift variant predicted to result in protein truncation or nonsense mediated decay in a gene for which loss of function is a known mechanism of disease; Not observed at significant frequency in large population cohorts (gnomAD); This variant is associated with the following publications: (PMID: 26350204, 22670141, 39013458)

Laboratory of Genetics, Children's Clinical University Hospital Latvia
Classification: Pathogenic for Kleefstra syndrome 1. Review status: criteria provided, single submitter. Criteria: ACMG Guidelines, 2015. Collection method: curation. Allele origin: germline. Affected: yes.
Comment: Inheritance unknown

Literature cited by the submitters: PubMed 39013458 (cited by Laboratory of Genetics, Children's Clinical University Hospital Latvia).